The following is an entry in ClinVar:

NC_012920.1(MT-TC):m.5802T>C

Gene: MT-TC (mitochondrially encoded tRNA cysteine; minus strand).
Variant type: single nucleotide variant.
Genome position: chrM-5802-T-C.
Identifiers: ClinVar variation 689996 (VCV000689996.1), dbSNP rs1603220128, ClinGen allele CA913180507.
Genomic context (GRCh38, chrMT:5,802, plus strand): 5'-CCGGGAAAAAAGGCGGGAGAAGCCCCGGCAGGTTTGAAGCTGCTTCTTCGAATTTGCAAT[T>C]CAATATGAAAATCACCTCGGAGCTGGTAAAAAGAGGCCTAACCCCTGTCTTTAGATTTAC-3'

ClinVar aggregate classification (germline): Uncertain significance (1 of 4 stars; one submission).

Conditions:
MELAS syndrome (MELAS). Also called: Juvenile myopathy, encephalopathy, lactic acidosis, stroke. Identifiers: Orphanet 550, MedGen C0162671, MONDO:0010789, OMIM 540000.

Submission:

Wong Mito Lab, Molecular and Human Genetics, Baylor College of Medicine
Classification: Uncertain significance for MELAS syndrome. Last evaluated: 2019-07-12. Review status: criteria provided, single submitter. Criteria: Modified ACMG Guidelines (Unpublished). Collection method: clinical testing. Allele origin: germline.
Comment: The NC_012920.1:m.5802T>C variant in MT-TC gene is interpreted to be a Unknown Significance variant based on the modified ACMG guidelines (unpublished). This variant meets the following evidence codes reported in the guidelines: BS2, BP5, PP3

Literature cited by the submitters: PubMed 31965079; PubMed 18386806; PubMed 19818876.